The following is an entry in ClinVar:

ClinVar aggregate classification (germline): Likely benign. Review status: criteria provided, multiple submitters, no conflicts (2 of 4 stars). 2 submissions from 2 submitters: Likely benign (2). Last evaluated 2025-01-20.

Conditions:
Hyperornithinemia-hyperammonemia-homocitrullinuria syndrome (HHHS). Also called: HHH SYNDROME; Ornithine translocase deficiency. Identifiers: Orphanet 415, MedGen C0268540, MONDO:0009393, OMIM 238970.

Allele frequency attached by ClinVar (database versions not stated): gnomAD 0.00001 and 0.00002; ExAC 0.00002; gnomAD exomes 0.00002 and 0.00006; TOPMed 0.00002; 1000 Genomes Project 30x 0.00016; 1000 Genomes Project 0.00020.
gnomAD v4.1: 88 of 1,614,140 alleles (0.0055%); highest among the groups gnomAD compares: Non-Finnish European, 0.007%; no homozygotes.

Submissions (2):

Labcorp Genetics (formerly Invitae), Labcorp
Classification: Likely benign for Hyperornithinemia-hyperammonemia-homocitrullinuria syndrome. Last evaluated: 2025-01-20. Review status: criteria provided, single submitter. Criteria: Invitae Variant Classification Sherloc (09022015). Collection method: clinical testing. Allele origin: germline.

GeneDx
Classification: Likely benign. Last evaluated: 2016-11-08. Review status: criteria provided, single submitter. Criteria: GeneDx Variant Classification (06012015). Collection method: clinical testing. Allele origin: germline. Affected: yes.
Comment: This variant is considered likely benign or benign based on one or more of the following criteria: it is a conservative change, it occurs at a poorly conserved position in the protein, it is predicted to be benign by multiple in silico algorithms, and/or has population frequency not consistent with disease.

NM_014252.4(SLC25A15):c.18T>C (p.Ala6=)

Gene: SLC25A15 (solute carrier family 25 member 15; plus strand). Cytogenetic location: 13q14.11.
Variant type: single nucleotide variant.
Coding change: c.18T>C on transcript NM_014252.4 (MANE Select); coding-DNA position 18, T replaced by C.
Protein change: p.Ala6=; no amino-acid change (alanine 6 retained).
Molecular consequence: synonymous variant.
Genome position (GRCh38, 1-based): chr13:40,793,244, T>C. VCF-style: chr13-40793244-T-C. GRCh37 (hg19) VCF-style: chr13-41367380-T-C.
Identifiers: ClinVar variation 390265 (VCV000390265.12), dbSNP rs573033866, ClinGen allele CA6959591.